The following is an entry in ClinVar:

ClinVar aggregate classification (germline): Pathogenic (1 of 4 stars; one submission).

Conditions:
Hereditary cancer-predisposing syndrome. Also called: Hereditary Cancer Syndrome; Hereditary neoplastic syndrome; Neoplastic Syndromes, Hereditary; Tumor predisposition. Identifiers: Orphanet 140162, MedGen C0027672, MeSH D009386, MONDO:0015356.

Submission:

Ambry Genetics
Classification: Pathogenic for Hereditary cancer-predisposing syndrome. Last evaluated: 2025-05-01. Review status: criteria provided, single submitter. Criteria: Ambry Variant Classification Scheme 2023. Collection method: clinical testing. Allele origin: germline.
Comment: The c.4448delC pathogenic mutation, located in coding exon 15 of the APC gene, results from a deletion of one nucleotide at nucleotide position 4448, causing a translational frameshift with a predicted alternate stop codon (p.P1483Qfs*24). This alteration occurs at the 3' terminus of theAPC gene, is not expected to trigger nonsense-mediated mRNA decay, and impacts the last 1361 amino acids of the protein. However, premature stop codons are typically deleterious in nature and the impacted region is critical for protein function and a significant portion of the protein is affected (Ambry internal data). This alteration has been observed in at least one individual with a personal and/or family history that is consistent with APC-related disease, and other truncating alterations downstream have been observed in individuals with a personal and/or family history that is consistent with APC-related disease (Ambry internal data). This variant is considered to be rare based on population cohorts in the Genome Aggregation Database (gnomAD). Based on the supporting evidence, this alteration is interpreted as a disease-causing mutation.

NM_000038.6(APC):c.4448del (p.Pro1483fs)

Gene: APC (APC regulator of Wnt signaling pathway; plus strand). Cytogenetic location: 5q22.2.
Variant type: Deletion.
Coding change: c.4448del on transcript NM_000038.6 (MANE Select); coding-DNA position 4448, one base deleted (C; older notation c.4448delC).
Protein change: p.Pro1483fs; shifts the reading frame from proline 1483.
Molecular consequence: frameshift variant.
Genome position (GRCh38, 1-based): chr5:112,840,042, C deleted; the last of 2 consecutive C bases (chr5:112,840,041-112,840,042); deleting either gives the same sequence. VCF-style (leftmost placement, unchanged base first): chr5-112840040-TC-T. GRCh37 (hg19) VCF-style: chr5-112175737-TC-T.
Other names: c.4448del, p.Pro1483fs (NM_001127510.3, NM_001354895.2); c.4394del, p.Pro1465fs (NM_001127511.3); c.4502del, p.Pro1501fs (NM_001354896.2); c.4478del, p.Pro1493fs (NM_001354897.2); c.4373del, p.Pro1458fs (NM_001354898.2); c.4364del, p.Pro1455fs (NM_001354899.2); c.4325del, p.Pro1442fs (NM_001354900.2); c.4271del, p.Pro1424fs (NM_001354901.2); and 16 more; short protein forms P1424fs, P1442fs, P1483fs, P1382fs, P1200fs, P1392fs, P1465fs, P1493fs.
Identifiers: ClinVar variation 1740658 (VCV001740658.3), dbSNP rs2533575873, ClinGen allele CA2580072520.